The following is an entry in ClinVar:

NM_001127644.2(GABRA1):c.1059+2T>C

Gene: GABRA1 (gamma-aminobutyric acid type A receptor subunit alpha1; plus strand). Cytogenetic location: 5q34.
Variant type: single nucleotide variant.
Coding change: c.1059+2T>C on transcript NM_001127644.2 (MANE Select); the canonical splice donor site of the intron after coding-DNA position 1059, T replaced by C.
Molecular consequence: splice donor variant.
Genome position (GRCh38, 1-based): chr5:161,895,870, T>C. VCF-style: chr5-161895870-T-C. GRCh37 (hg19) VCF-style: chr5-161322876-T-C.
Other names: c.1059+2T>C (NM_000806.5, NM_001127643.2, NM_001127645.2 and 1 more transcripts).
Identifiers: ClinVar variation 845402 (VCV000845402.9), dbSNP rs1755341108, ClinGen allele CA362180526.

ClinVar aggregate classification (germline): Pathogenic (1 of 4 stars; one submission).

Conditions:
Idiopathic generalized epilepsy. Also called: Generalised epilepsy; EIG. Identifiers: MedGen C0270850, MONDO:0005579, OMIM 600669.
Epilepsy, idiopathic generalized, susceptibility to, 13. Also called: EPILEPSY, JUVENILE MYOCLONIC, SUSCEPTIBILITY TO, 5. Identifiers: Orphanet 307, Orphanet 64280, MedGen C4013473, MONDO:0012627, OMIM 611136.
Epilepsy, childhood absence 4 (ECA4). Also called: EPILEPSY, CHILDHOOD ABSENCE, SUSCEPTIBILITY TO, 4. Identifiers: Orphanet 307, MedGen C1970160.

Submission:

Labcorp Genetics (formerly Invitae), Labcorp
Classification: Pathogenic for Epilepsy, childhood absence 4; Epilepsy, idiopathic generalized, susceptibility to, 13; Idiopathic generalized epilepsy. Last evaluated: 2023-12-13. Review status: criteria provided, single submitter. Criteria: Invitae Variant Classification Sherloc (09022015). Collection method: clinical testing. Allele origin: germline.
Comment: This sequence change affects a donor splice site in intron 10 of the GABRA1 gene. While this variant is not anticipated to result in nonsense mediated decay, it likely alters RNA splicing and results in a disrupted protein product. This variant is not present in population databases (gnomAD no frequency). This variant has not been reported in the literature in individuals affected with GABRA1-related conditions. ClinVar contains an entry for this variant (Variation ID: 845402). Variants that disrupt the consensus splice site are a relatively common cause of aberrant splicing (PMID: 17576681, 9536098). Algorithms developed to predict the effect of sequence changes on RNA splicing suggest that this variant may disrupt the consensus splice site. This variant disrupts a region of the GABRA1 protein in which other variant(s) (p.Val357Glyfs*5) have been determined to be pathogenic (Invitae). This suggests that this is a clinically significant region of the protein, and that variants that disrupt it are likely to be disease-causing. For these reasons, this variant has been classified as Pathogenic.

Literature cited by the submitters: PubMed 17576681; PubMed 9536098.